The following is an entry in ClinVar:

ClinVar aggregate classification (germline): Uncertain significance (1 of 4 stars; one submission).

Conditions:
Zellweger spectrum disorders (ZS). Also called: Zellweger Spectrum Disorder; Zellweger Spectrum; Zellweger Spectrum Disorder (ZSD); Zellweger syndrome. Identifiers: Orphanet 912, MedGen C0043459, MONDO:0019609.

Submission:

Labcorp Genetics (formerly Invitae), Labcorp
Classification: Uncertain significance for Zellweger spectrum disorders. Last evaluated: 2022-07-06. Review status: criteria provided, single submitter. Criteria: Invitae Variant Classification Sherloc (09022015). Collection method: clinical testing. Allele origin: germline.
Comment: This variant is not present in population databases (gnomAD no frequency). This sequence change replaces glycine, which is neutral and non-polar, with cysteine, which is neutral and slightly polar, at codon 950 of the PEX1 protein (p.Gly950Cys). This variant has not been reported in the literature in individuals affected with PEX1-related conditions. ClinVar contains an entry for this variant (Variation ID: 1042367). Advanced modeling of protein sequence and biophysical properties (such as structural, functional, and spatial information, amino acid conservation, physicochemical variation, residue mobility, and thermodynamic stability) performed at Invitae indicates that this missense variant is expected to disrupt PEX1 protein function. In summary, the available evidence is currently insufficient to determine the role of this variant in disease. Therefore, it has been classified as a Variant of Uncertain Significance.

NM_000466.3(PEX1):c.2848G>T (p.Gly950Cys)

Genes: PEX1 (peroxisomal biogenesis factor 1; minus strand), GATAD1 (GATA zinc finger domain containing 1; plus strand). Cytogenetic location: 7q21.2.
Variant type: single nucleotide variant.
Coding change: c.2848G>T on transcript NM_000466.3 (MANE Select); coding-DNA position 2848, G replaced by T.
Protein change: p.Gly950Cys; replaces glycine 950 with cysteine.
Molecular consequence: missense variant.
Genome position (GRCh38, 1-based): chr7:92,494,565, C>A on the plus strand (G>T on the coding strand, the complement: PEX1 is on the minus strand). VCF-style: chr7-92494565-C-A. GRCh37 (hg19) VCF-style: chr7-92123879-C-A.
Other names: c.2677G>T, p.Gly893Cys (NM_001282677.2); c.2224G>T, p.Gly742Cys (NM_001282678.2); short protein forms G742C, G893C, G950C.
Identifiers: ClinVar variation 1042367 (VCV001042367.5), dbSNP rs1791552137, ClinGen allele CA368168730.